The following is an entry in ClinVar:

NM_001029883.3(PCARE):c.*27G>A

Gene: PCARE (photoreceptor cilium actin regulator; minus strand). Cytogenetic location: 2p23.2.
Variant type: single nucleotide variant.
Coding change: c.*27G>A on transcript NM_001029883.3 (MANE Select); 27 bases downstream of the stop codon, G replaced by A.
Molecular consequence: 3 prime UTR variant.
Genome position (GRCh38, 1-based): chr2:29,064,842, C>T on the plus strand (G>A on the coding strand, the complement: PCARE is on the minus strand). VCF-style: chr2-29064842-C-T. GRCh37 (hg19) VCF-style: chr2-29287708-C-T.
Identifiers: ClinVar variation 335635 (VCV000335635.9), dbSNP rs10182566, ClinGen allele CA1591806.
Genomic context (GRCh38, chr2:29,064,842, plus strand): 5'-CCATCATCTCTGGGTCAGGCTGGACACTTGGCTGTCACACTTGGCCTTCTGGGGTGACTG[C>T]GTGAGTGTGGCCCCCTCGTCAGCCTGTCAGGACACCTCCTCTTGCTGGGGCTGCGCCTCT-3'

ClinVar aggregate classification (germline): Benign. Review status: criteria provided, multiple submitters, no conflicts (2 of 4 stars). 3 submissions from 3 submitters: Benign (3). Last evaluated 2021-07-14.

Conditions:
Retinitis pigmentosa (RP). Identifiers: Orphanet 791, MedGen C0035334, MeSH D012174, MONDO:0019200, OMIM 268000. Inheritance: Autosomal dominant, autosomal recessive and X linked inheritance.
Retinitis pigmentosa 54 (RP54). Identifiers: Orphanet 791, MedGen C3150691, MONDO:0013263, OMIM 613428.

Allele frequency attached by ClinVar (database versions not stated): ExAC 0.26943; gnomAD 0.28227 and 0.28321; ESP Exome Variant Server 0.28403; TOPMed 0.30001; 1000 Genomes Project 0.32708; 1000 Genomes Project 30x 0.32776.
gnomAD v4.1: 438,300 of 1,607,708 alleles (27%); highest among the groups gnomAD compares: East Asian, 47%; 61,861 homozygotes.

Submissions (3):

Genome-Nilou Lab
Classification: Benign for Retinitis pigmentosa 54. Last evaluated: 2021-07-14. Review status: criteria provided, single submitter. Criteria: ACMG Guidelines, 2015. Collection method: clinical testing. Allele origin: germline. Affected: no.

Illumina Laboratory Services, Illumina
Classification: Benign for Retinitis pigmentosa. Last evaluated: 2018-01-13. Review status: criteria provided, single submitter. Criteria: ICSL Variant Classification Criteria 13 December 2019. Collection method: clinical testing. Allele origin: germline.
Comment: This variant was observed in the ICSL laboratory as part of a predisposition screen in an ostensibly healthy population. It had not been previously curated by ICSL or reported in the Human Gene Mutation Database (HGMD: prior to June 1st, 2018), and was therefore a candidate for classification through an automated scoring system. Utilizing variant allele frequency, disease prevalence and penetrance estimates, and inheritance mode, an automated score was calculated to assess if this variant is too frequent to cause the disease. Based on the score and internal cut-off values, a variant classified as benign is not then subjected to further curation. The score for this variant resulted in a classification of benign for this disease.

Breakthrough Genomics
Classification: Benign. Review status: criteria provided, single submitter. Criteria: ACMG Guidelines, 2015. Collection method: not provided. Allele origin: germline. Inheritance: Unknown mechanism. Affected: yes.